The following is an entry in ClinVar:

NM_001436401.1(NOBOX):c.1198T>C (p.Phe400Leu)

Gene: NOBOX (NOBOX oogenesis homeobox; minus strand). Cytogenetic location: 7q35.
Variant type: single nucleotide variant.
Coding change: c.1198T>C on transcript NM_001436401.1 (MANE Select); coding-DNA position 1198, T replaced by C.
Protein change: p.Phe400Leu; replaces phenylalanine 400 with leucine.
Molecular consequence: missense variant.
Genome position (GRCh38, 1-based): chr7:144,398,507, A>G on the plus strand (T>C on the coding strand, the complement: NOBOX is on the minus strand). VCF-style: chr7-144398507-A-G. GRCh37 (hg19) VCF-style: chr7-144095600-A-G.
Other names: NM_001080413.3:c.1549T>C; c.646T>C, p.Phe216Leu (NM_001436402.1); short protein forms F216L, F400L.
Identifiers: ClinVar variation 286525 (VCV000286525.14), dbSNP rs2699503, ClinGen allele CA4544528.
Genomic context (GRCh38, chr7:144,398,507, plus strand): 5'-AGGGCAACTTGGGCTGAGGGGACTGGAAAAGCGGGGGCTGTGGAGCCTGGGAGAACTGGA[A>G]GGGTCCTGGCTGGTTGCTCTGTTGGTAATCCTGGGGCTCCAGCTCCTCCAAATATGAACA-3'
Protein context (NP_001423330.1, residues 390-410): DYQQSNQPGP[Phe400Leu]QFSQAPQPPL

ClinVar aggregate classification (germline): Benign. Review status: criteria provided, multiple submitters, no conflicts (2 of 4 stars). 5 submissions from 5 submitters: Benign (5). Last evaluated 2021-09-05.

Conditions:
Premature ovarian failure 5 (POF5). Identifiers: MedGen C1969060, MONDO:0012689, OMIM 611548.

Allele frequency attached by ClinVar (database versions not stated): gnomAD exomes 0.57143 and 0.63371; gnomAD 0.58167 and 0.59201; TOPMed 0.59640; ExAC 0.68070; 1000 Genomes Project 30x 0.68926; 1000 Genomes Project 0.69629.
gnomAD v4.1: 882,448 of 1,535,894 alleles (57%); highest among the groups gnomAD compares: South Asian, 80%; 258,161 homozygotes.

Submissions (5):

Genome-Nilou Lab
Classification: Benign for Premature ovarian failure 5. Last evaluated: 2021-09-05. Review status: criteria provided, single submitter. Criteria: ACMG Guidelines, 2015. Collection method: clinical testing. Allele origin: germline. Affected: no.

Illumina Laboratory Services, Illumina
Classification: Benign for Premature ovarian failure 5. Last evaluated: 2018-01-12. Review status: criteria provided, single submitter. Criteria: ICSL Variant Classification Criteria 13 December 2019. Collection method: clinical testing. Allele origin: germline.
Comment: This variant was observed in the ICSL laboratory as part of a predisposition screen in an ostensibly healthy population. It had not been previously curated by ICSL or reported in the Human Gene Mutation Database (HGMD: prior to June 1st, 2018), and was therefore a candidate for classification through an automated scoring system. Utilizing variant allele frequency, disease prevalence and penetrance estimates, and inheritance mode, an automated score was calculated to assess if this variant is too frequent to cause the disease. Based on the score and internal cut-off values, a variant classified as benign is not then subjected to further curation. The score for this variant resulted in a classification of benign for this disease.

Eurofins Ntd Llc (ga)
Classification: Benign. Last evaluated: 2016-02-25. Review status: criteria provided, single submitter. Criteria: EGL Classification Definitions 2015. Collection method: clinical testing. Allele origin: germline. Observed: 6 variant alleles, 5 heterozygotes, 1 homozygote.

GeneDx
Classification: Benign. Last evaluated: 2015-03-03. Review status: criteria provided, single submitter. Criteria: GeneDx Variant Classification Process June 2021. Collection method: clinical testing. Allele origin: germline. Affected: yes.

Breakthrough Genomics
Classification: Benign. Review status: criteria provided, single submitter. Criteria: ACMG Guidelines, 2015. Collection method: not provided. Allele origin: germline. Inheritance: Autosomal dominant inheritance. Affected: yes.